The following is an entry in ClinVar:

NM_022765.4(MICAL1):c.1465G>C (p.Glu489Gln)

Gene: MICAL1 (microtubule associated monooxygenase, calponin and LIM domain containing 1; minus strand). Cytogenetic location: 6q21.
Variant type: single nucleotide variant.
Coding change: c.1465G>C on transcript NM_022765.4 (MANE Select); coding-DNA position 1465, G replaced by C.
Protein change: p.Glu489Gln; replaces glutamic acid 489 with glutamine.
Molecular consequence: missense variant.
Genome position (GRCh38, 1-based): chr6:109,449,451, C>G on the plus strand (G>C on the coding strand, the complement: MICAL1 is on the minus strand). VCF-style: chr6-109449451-C-G. GRCh37 (hg19) VCF-style: chr6-109770654-C-G.
Other names: c.1207G>C, p.Glu403Gln (NM_001159291.2); c.1522G>C, p.Glu508Gln (NM_001286613.2); c.1465G>C (NM_022765.3); short protein forms E403Q, E489Q, E508Q.
Identifiers: ClinVar variation 2427836 (VCV002427836.7), dbSNP rs1239006111, ClinGen allele CA365229785.
Genomic context (GRCh38, chr6:109,449,451, plus strand): 5'-CCTGCTCACCGGTGGCTGGCATCCCTGTATCTGTCTTGTCGTTGTTCCTCTGCACAGGCT[C>G]CTTGGCTAGCACATCATACAGGTCTCGTACCTAAGGCAGCCCCGCTCAGGTCTCAAGGCA-3'
Protein context (NP_073602.3, residues 479-499): VRDLYDVLAK[Glu489Gln]PVQRNNDKTD

ClinVar aggregate classification (germline): Uncertain significance. Review status: criteria provided, multiple submitters, no conflicts (2 of 4 stars). 2 submissions from 2 submitters: Uncertain significance (2). Last evaluated 2025-03-10.

Allele frequency attached by ClinVar (database versions not stated): gnomAD exomes below 0.00001; TOPMed 0.00001; gnomAD 0.00002.
gnomAD v4.1: 4 of 1,614,116 alleles (0.00025%); highest among the groups gnomAD compares: African/African-American, 0.0053%; no homozygotes.

Submissions (2):

Labcorp Genetics (formerly Invitae), Labcorp
Classification: Uncertain significance. Last evaluated: 2025-03-10. Review status: criteria provided, single submitter. Criteria: Invitae Variant Classification Sherloc (09022015). Collection method: clinical testing. Allele origin: germline.
Comment: This sequence change replaces glutamic acid, which is acidic and polar, with glutamine, which is neutral and polar, at codon 508 of the MICAL1 protein (p.Glu508Gln). This variant is present in population databases (no rsID available, gnomAD 0.007%). This variant has not been reported in the literature in individuals affected with MICAL1-related conditions. ClinVar contains an entry for this variant (Variation ID: 2427836). An algorithm developed to predict the effect of missense changes on protein structure and function (PolyPhen-2) suggests that this variant is likely to be tolerated. In summary, the available evidence is currently insufficient to determine the role of this variant in disease. Therefore, it has been classified as a Variant of Uncertain Significance.

Ambry Genetics
Classification: Uncertain significance. Last evaluated: 2025-03-01. Review status: criteria provided, single submitter. Criteria: Ambry Variant Classification Scheme 2023. Collection method: clinical testing. Allele origin: germline.